The following is an entry in ClinVar:

NM_000304.4(PMP22):c.130A>T (p.Thr44Ser)

Gene: PMP22 (peripheral myelin protein 22; minus strand). Cytogenetic location: 17p12.
Variant type: single nucleotide variant.
Coding change: c.130A>T on transcript NM_000304.4 (MANE Select); coding-DNA position 130, A replaced by T.
Protein change: p.Thr44Ser; replaces threonine 44 with serine.
Molecular consequence: missense variant. On other transcripts: non-coding transcript variant (1).
Genome position (GRCh38, 1-based): chr17:15,259,142, T>A on the plus strand (A>T on the coding strand, the complement: PMP22 is on the minus strand). VCF-style: chr17-15259142-T-A. GRCh37 (hg19) VCF-style: chr17-15162459-T-A.
Other names: c.130A>T, p.Thr44Ser (NM_001281455.2, NM_001281456.2, NM_001330143.2 and 2 more transcripts); short protein forms T44S.
Identifiers: ClinVar variation 568185 (VCV000568185.6), dbSNP rs112651887, ClinGen allele CA8403421.

ClinVar aggregate classification (germline): Uncertain significance (1 of 4 stars; one submission).

Conditions:
Charcot-Marie-Tooth disease, type I (CMT1). Also called: Charcot-Marie-Tooth, Type 1; Charcot-Marie-Tooth disease type 1. Identifiers: Orphanet 65753, MedGen C0751036, MONDO:0019011.

Allele frequency attached by ClinVar (database versions not stated): gnomAD 0.00001; TOPMed 0.00001; ExAC 0.00002; gnomAD exomes 0.00002.
gnomAD v4.1: 15 of 1,613,800 alleles (0.00093%); highest among the groups gnomAD compares: East Asian, 0.022%; no homozygotes.

Submission:

Labcorp Genetics (formerly Invitae), Labcorp
Classification: Uncertain significance for Charcot-Marie-Tooth disease, type I. Last evaluated: 2025-08-03. Review status: criteria provided, single submitter. Criteria: Invitae Variant Classification Sherloc (09022015). Collection method: clinical testing. Allele origin: germline.
Comment: This sequence change replaces threonine, which is neutral and polar, with serine, which is neutral and polar, at codon 44 of the PMP22 protein (p.Thr44Ser). This variant is present in population databases (rs112651887, gnomAD 0.02%). This variant has not been reported in the literature in individuals affected with PMP22-related conditions. ClinVar contains an entry for this variant (Variation ID: 568185). Invitae Evidence Modeling of protein sequence and biophysical properties (such as structural, functional, and spatial information, amino acid conservation, physicochemical variation, residue mobility, and thermodynamic stability) indicates that this missense variant is not expected to disrupt PMP22 protein function with a negative predictive value of 95%. In summary, the available evidence is currently insufficient to determine the role of this variant in disease. Therefore, it has been classified as a Variant of Uncertain Significance.